The following is an entry in ClinVar:

NM_001143981.2(CHRDL1):c.520dup (p.Ser174fs)

Gene: CHRDL1 (chordin like 1; minus strand). Cytogenetic location: Xq23.
Variant type: Duplication.
Coding change: c.520dup on transcript NM_001143981.2 (MANE Select); coding-DNA position 520, one base duplicated (T; older notation c.520dupT).
Protein change: p.Ser174fs; shifts the reading frame from serine 174.
Molecular consequence: frameshift variant. On other transcripts: non-coding transcript variant (1), intron variant (1).
Genome position (GRCh38, 1-based): chrX:110,719,856, A duplicated on the plus strand (T on the coding strand, the reverse complement: CHRDL1 is on the minus strand); the first of 2 consecutive A bases (chrX:110,719,856-110,719,857); duplicating either gives the same sequence. VCF-style (leftmost placement, unchanged base first): chrX-110719855-G-GA. GRCh37 (hg19) VCF-style: chrX-109963083-G-GA.
Other names: c.517dup, p.Ser173fs (NM_001143982.2, NM_001367207.1, NM_145234.4); c.520dup, p.Ser174fs (NM_001367204.1, NM_001367205.1, NM_001367206.1 and 2 more transcripts); c.302-19136dup (NM_001143983.3); short protein forms S174fs, S173fs.
Identifiers: ClinVar variation 369678 (VCV000369678.3), dbSNP rs1057516043, ClinGen allele CA10654771.

ClinVar aggregate classification (germline): Pathogenic (1 of 4 stars; one submission).

Conditions:
Megalocornea. Also called: MGCN. Identifiers: MedGen C5574682, MONDO:0009576, OMIM 249300, HP:0000485.

Submission:

Victorian Clinical Genetics Services, Murdoch Childrens Research Institute
Classification: Pathogenic for Isolated congenital megalocornea. Last evaluated: 2014-11-03. Review status: criteria provided, single submitter. Criteria: ACMG Guidelines, 2015. Collection method: clinical testing. Allele origin: maternal. Inheritance: X-linked inheritance. Affected: yes. Observed: 2 variant alleles.
Comment: This duplication results ina frameshift and premature truncation 18 amino acids downstream, prior to the final highly conserved cysteine-rich VWFC domain. This variant is prediceted to be disease-causing by in-silico software. This is a novel truncating variant not present in disease or population databases.

Literature cited by the submitters: PubMed 26938784.